The following is an entry in ClinVar:

ClinVar aggregate classification (germline): Uncertain significance (1 of 4 stars; one submission).

Conditions:
Arrhythmogenic right ventricular dysplasia 13. Also called: ARRHYTHMOGENIC RIGHT VENTRICULAR CARDIOMYOPATHY 13; Arrhythmogenic right ventricular dysplasia, familial, 13. Identifiers: MedGen C3810138, MONDO:0000908, OMIM 615616.

Submission:

Labcorp Genetics (formerly Invitae), Labcorp
Classification: Uncertain significance for Arrhythmogenic right ventricular dysplasia, familial, 13. Last evaluated: 2018-03-24. Review status: criteria provided, single submitter. Criteria: Invitae Variant Classification Sherloc (09022015). Collection method: clinical testing. Allele origin: germline.
Comment: This variant is an in-frame deletion of the genomic region encompassing exon 12 of the CTNNA3 gene. It preserves the integrity of the reading frame. This variant has not been reported in the literature in individuals with CTNNA3-related disease. Experimental studies and prediction algorithms are not available for this variant, and the functional significance of the deleted amino acids is currently unknown. The current clinical and genetic evidence is not sufficient to establish whether loss-of-function variants in CTNNA3 cause disease. In summary, the available evidence is currently insufficient to determine the role of this variant in disease. Therefore, it has been classified as a Variant of Uncertain Significance.

NC_000010.11:g.(?_66379132)_(66379372_?)del

Gene: CTNNA3 (catenin alpha 3; minus strand). Cytogenetic location: 10q21.3.
Variant type: Deletion.
Identifiers: ClinVar variation 584312 (VCV000584312.1).